The following is an entry in ClinVar:

NM_001458.5(FLNC):c.6442G>A (p.Ala2148Thr)

Genes: FLNC-AS1 (FLNC antisense RNA 1; minus strand), FLNC (filamin C; plus strand). Cytogenetic location: 7q32.1.
Variant type: single nucleotide variant.
Coding change: c.6442G>A on transcript NM_001458.5 (MANE Select); coding-DNA position 6442, G replaced by A.
Protein change: p.Ala2148Thr; replaces alanine 2148 with threonine.
Molecular consequence: missense variant.
Genome position (GRCh38, 1-based): chr7:128,853,795, G>A. VCF-style: chr7-128853795-G-A. GRCh37 (hg19) VCF-style: chr7-128493849-G-A.
Other names: c.6343G>A, p.Ala2115Thr (NM_001127487.2); short protein forms A2115T, A2148T.
Identifiers: ClinVar variation 2928789 (VCV002928789.5), dbSNP rs1373731120, ClinGen allele CA369212551.

ClinVar aggregate classification (germline): Uncertain significance. Review status: criteria provided, multiple submitters, no conflicts (2 of 4 stars). 3 submissions from 3 submitters: Uncertain significance (3). Last evaluated 2025-07-10.

Conditions:
Hypertrophic cardiomyopathy 26. Also called: Cardiomyopathy, familial hypertrophic, 26. Identifiers: Orphanet 75249, MedGen C4310749, MONDO:0014883, OMIM 617047.
Myofibrillar myopathy 5. Also called: Filaminopathy (type); FILAMINOPATHY, AUTOSOMAL DOMINANT. Identifiers: Orphanet 171445, MedGen C1836050, MONDO:0012289, OMIM 609524.
Distal myopathy with posterior leg and anterior hand involvement. Also called: WILLIAMS DISTAL MYOPATHY. Identifiers: Orphanet 63273, MedGen C3279722, MONDO:0013550, OMIM 614065.

Allele frequency attached by ClinVar (database versions not stated): gnomAD exomes below 0.00001; gnomAD 0.00001.
gnomAD v4.1: 5 of 1,613,338 alleles (0.00031%); highest among the groups gnomAD compares: South Asian, 0.0022%; no homozygotes.

Submissions (3):

Institute of Human Genetics, University of Leipzig Medical Center
Classification: Uncertain significance for Hypertrophic cardiomyopathy 26. Last evaluated: 2025-07-10. Review status: criteria provided, single submitter. Criteria: ACMG Guidelines, 2015. Collection method: clinical testing. Allele origin: unknown. Inheritance: Autosomal dominant inheritance. Affected: yes.
Comment: Criteria applied: PM2_SUP,PP2

Labcorp Genetics (formerly Invitae), Labcorp
Classification: Uncertain significance for Distal myopathy with posterior leg and anterior hand involvement; Myofibrillar myopathy 5; Hypertrophic cardiomyopathy 26. Last evaluated: 2025-07-01. Review status: criteria provided, single submitter. Criteria: Invitae Variant Classification Sherloc (09022015). Collection method: clinical testing. Allele origin: germline.
Comment: This sequence change replaces alanine, which is neutral and non-polar, with threonine, which is neutral and polar, at codon 2148 of the FLNC protein (p.Ala2148Thr). This variant is not present in population databases (gnomAD no frequency). This missense change has been observed in individual(s) with clinical features of FLNC-related conditions (internal data). ClinVar contains an entry for this variant (Variation ID: 2928789). Invitae Evidence Modeling of protein sequence and biophysical properties (such as structural, functional, and spatial information, amino acid conservation, physicochemical variation, residue mobility, and thermodynamic stability) has been performed for this missense variant. However, the output from this modeling did not meet the statistical confidence thresholds required to predict the impact of this variant on FLNC protein function. In summary, the available evidence is currently insufficient to determine the role of this variant in disease. Therefore, it has been classified as a Variant of Uncertain Significance.

Breakthrough Genomics
Classification: Uncertain significance. Review status: criteria provided, single submitter. Criteria: ACMG Guidelines, 2015. Collection method: not provided. Allele origin: germline. Inheritance: Autosomal recessive inheritance. Affected: yes.